The following is an entry in ClinVar:

NM_201378.4(PLEC):c.71-5436G>A

Genes: PLEC (plectin; minus strand), LOC130001344 (ATAC-STARR-seq lymphoblastoid silent region 19634; plus strand). Cytogenetic location: 8q24.3.
Variant type: single nucleotide variant.
Coding change: c.71-5436G>A on transcript NM_201378.4 (MANE Plus Clinical); 5436 bases into the intron before coding-DNA position 71, G replaced by A.
Molecular consequence: intron variant.
Genome position (GRCh38, 1-based): chr8:143,944,128, C>T on the plus strand (G>A on the coding strand, the complement: PLEC is on the minus strand). VCF-style: chr8-143944128-C-T. GRCh37 (hg19) VCF-style: chr8-145018296-C-T.
Other names: c.194-5436G>A (NM_001410941.1, NM_000445.5); c.47-5436G>A (NM_201379.3); c.524-5436G>A (NM_201380.4); c.16+520G>A (NM_201381.3).
Identifiers: ClinVar variation 4891085 (VCV004891085.1).

ClinVar aggregate classification (germline): Uncertain significance (1 of 4 stars; one submission).

gnomAD v4.1: 5 of 152,114 alleles (0.0033%); highest among the groups gnomAD compares: African/African-American, 0.012%; no homozygotes.

Submission:

Greenwood Genetic Center Diagnostic Laboratories, Greenwood Genetic Center
Classification: Uncertain significance. Last evaluated: 2026-04-01. Review status: criteria provided, single submitter. Criteria: ACMG Guidelines, 2015. Collection method: clinical testing. Allele origin: germline.
Comment: PM2